The following is an entry in ClinVar:

NM_020639.3(RIPK4):c.2339G>A (p.Arg780Gln)

Gene: RIPK4 (receptor interacting serine/threonine kinase 4; minus strand). Cytogenetic location: 21q22.3.
Variant type: single nucleotide variant.
Coding change: c.2339G>A on transcript NM_020639.3 (MANE Select); coding-DNA position 2339, G replaced by A.
Protein change: p.Arg780Gln; replaces arginine 780 with glutamine.
Molecular consequence: missense variant.
Genome position (GRCh38, 1-based): chr21:41,740,854, C>T on the plus strand (G>A on the coding strand, the complement: RIPK4 is on the minus strand). VCF-style: chr21-41740854-C-T. GRCh37 (hg19) VCF-style: chr21-43161014-C-T.
Other names: short protein forms R780Q.
Identifiers: ClinVar variation 3049637 (VCV003049637.3), dbSNP rs147337665, ClinGen allele CA10035065.

ClinVar aggregate classification (germline): Likely benign. Review status: criteria provided, single submitter (1 of 4 stars). 2 submissions from 2 submitters: Likely benign (1). 1 of the submissions does not count toward it. Last evaluated 2025-02-05.

Conditions:
Inborn genetic diseases. Identifiers: MedGen C0950123, MeSH D030342.
RIPK4-related disorder. Also called: RIPK4-related condition.

Allele frequency attached by ClinVar (database versions not stated): gnomAD exomes 0.00010; ExAC 0.00035; 1000 Genomes Project 0.00080; gnomAD 0.00082; ESP Exome Variant Server 0.00093; 1000 Genomes Project 30x 0.00094; TOPMed 0.00108.
gnomAD v4.1: 278 of 1,607,128 alleles (0.017%); highest among the groups gnomAD compares: African/African-American, 0.27%; 3 homozygotes.

Submissions (2):

Ambry Genetics
Classification: Likely benign for Inborn genetic diseases. Last evaluated: 2025-02-05. Review status: criteria provided, single submitter. Criteria: Ambry Variant Classification Scheme 2023. Collection method: clinical testing. Allele origin: germline.

PreventionGenetics, part of Exact Sciences
Classification: Likely benign for RIPK4-related condition. Last evaluated: 2023-01-10. Review status: no assertion criteria provided. Collection method: clinical testing. Allele origin: germline. Not counted in ClinVar's aggregate classification.
Comment: This variant is classified as likely benign based on ACMG/AMP sequence variant interpretation guidelines (Richards et al. 2015 PMID: 25741868, with internal and published modifications).